The following is an entry in ClinVar:

NM_004994.3(MMP9):c.856A>G (p.Lys286Glu)

Gene: MMP9 (matrix metallopeptidase 9; plus strand). Cytogenetic location: 20q13.12.
Variant type: single nucleotide variant.
Coding change: c.856A>G on transcript NM_004994.3 (MANE Select); coding-DNA position 856, A replaced by G.
Protein change: p.Lys286Glu; replaces lysine 286 with glutamic acid.
Molecular consequence: missense variant.
Genome position (GRCh38, 1-based): chr20:46,011,606, A>G. VCF-style: chr20-46011606-A-G. GRCh37 (hg19) VCF-style: chr20-44640245-A-G.
Other names: short protein forms K286E.
Identifiers: ClinVar variation 3683659 (VCV003683659.2).

ClinVar aggregate classification (germline): Uncertain significance (1 of 4 stars; one submission).

Submission:

Labcorp Genetics (formerly Invitae), Labcorp
Classification: Uncertain significance. Last evaluated: 2024-11-25. Review status: criteria provided, single submitter. Criteria: Invitae Variant Classification Sherloc (09022015). Collection method: clinical testing. Allele origin: germline.
Comment: This sequence change replaces lysine, which is basic and polar, with glutamic acid, which is acidic and polar, at codon 286 of the MMP9 protein (p.Lys286Glu). This variant is not present in population databases (gnomAD no frequency). This variant has not been reported in the literature in individuals affected with MMP9-related conditions. Invitae Evidence Modeling of protein sequence and biophysical properties (such as structural, functional, and spatial information, amino acid conservation, physicochemical variation, residue mobility, and thermodynamic stability) indicates that this missense variant is not expected to disrupt MMP9 protein function with a negative predictive value of 80%. In summary, the available evidence is currently insufficient to determine the role of this variant in disease. Therefore, it has been classified as a Variant of Uncertain Significance.